The following is an entry in ClinVar:

NM_000260.4(MYO7A):c.3802_3805del (p.Thr1268fs)

Gene: MYO7A (myosin VIIA; plus strand). Cytogenetic location: 11q13.5.
Variant type: Deletion.
Coding change: c.3802_3805del on transcript NM_000260.4 (MANE Select); coding-DNA positions 3802 to 3805, 4 bases deleted (ACCA; older notation c.3802_3805delACCA).
Protein change: p.Thr1268fs; shifts the reading frame from threonine 1268.
Molecular consequence: frameshift variant.
Genome position (GRCh38, 1-based): chr11:77,190,748-77,190,751, ACCA deleted. VCF-style (leftmost placement, unchanged base first): chr11-77190747-GACCA-G. GRCh37 (hg19) VCF-style: chr11-76901792-GACCA-G.
Other names: c.3802_3805del, p.Thr1268fs (NM_001127180.2); c.3769_3772del, p.Thr1257fs (NM_001369365.1); short protein forms T1257fs, T1268fs.
Identifiers: ClinVar variation 1032273 (VCV001032273.1), dbSNP rs1955999847, ClinGen allele CA1984124021.

ClinVar aggregate classification (germline): Likely pathogenic (1 of 4 stars; one submission).

Conditions:
Autosomal recessive nonsyndromic hearing loss 2. Also called: DEAFNESS, AUTOSOMAL RECESSIVE 2; NEUROSENSORY NONSYNDROMIC RECESSIVE DEAFNESS 2. Identifiers: Orphanet 90636, MedGen C1838701, MONDO:0010807, OMIM 600060.

Submission:

Baylor Genetics
Classification: Likely pathogenic for Autosomal recessive nonsyndromic hearing loss 2. Last evaluated: 2018-03-21. Review status: criteria provided, single submitter. Criteria: ACMG Guidelines, 2015. Collection method: clinical testing. Allele origin: paternal. Affected: yes.
Comment: This variant was determined to be likely pathogenic according to ACMG Guidelines, 2015 [PMID:25741868].